The following is an entry in ClinVar:

ClinVar aggregate classification (germline): Conflicting classifications of pathogenicity. Review status: criteria provided, conflicting classifications (1 of 4 stars). 3 submissions from 3 submitters: Uncertain significance (1); Likely benign (2). Last evaluated 2025-06-27.

Allele frequency attached by ClinVar (database versions not stated): TOPMed 0.00001; gnomAD exomes 0.00001; gnomAD 0.00001.
gnomAD v4.1: 7 of 1,569,428 alleles (0.00045%); highest among the groups gnomAD compares: Admixed American, 0.0019%; no homozygotes.

Submissions (3):

Mayo Clinic Laboratories, Mayo Clinic
Classification: Uncertain significance. Last evaluated: 2025-06-27. Review status: criteria provided, single submitter. Criteria: ACMG Guidelines, 2015. Collection method: clinical testing. Allele origin: germline. Observed: 1 variant allele.
Comment: BP4_moderate

Molecular Diagnostic Laboratory for Inherited Cardiovascular Disease, Montreal Heart Institute
Classification: Likely benign. Last evaluated: 2025-04-09. Review status: criteria provided, single submitter. Criteria: ACMG Guidelines, 2015. Collection method: clinical testing. Allele origin: germline. Affected: no.

GeneDx
Classification: Likely benign. Last evaluated: 2018-05-22. Review status: criteria provided, single submitter. Criteria: GeneDx Variant Classification (06012015). Collection method: clinical testing. Allele origin: germline. Affected: yes.
Comment: This variant is considered likely benign or benign based on one or more of the following criteria: it is a conservative change, it occurs at a poorly conserved position in the protein, it is predicted to be benign by multiple in silico algorithms, and/or has population frequency not consistent with disease.

NM_001267550.2(TTN):c.55709G>A (p.Arg18570Lys)

Genes: TTN (titin; minus strand), TTN-AS1 (TTN antisense RNA 1; plus strand). Cytogenetic location: 2q31.2.
Variant type: single nucleotide variant.
Coding change: c.55709G>A on transcript NM_001267550.2 (MANE Select); coding-DNA position 55709, G replaced by A.
Protein change: p.Arg18570Lys; replaces arginine 18570 with lysine.
Molecular consequence: missense variant.
Genome position (GRCh38, 1-based): chr2:178,601,288, C>T on the plus strand (G>A on the coding strand, the complement: TTN is on the minus strand). VCF-style: chr2-178601288-C-T. GRCh37 (hg19) VCF-style: chr2-179466015-C-T.
Other names: p.Arg16002Lys; c.50786G>A, p.Arg16929Lys (NM_001256850.1); c.28514G>A, p.Arg9505Lys (NM_003319.4); c.48005G>A, p.Arg16002Lys (NM_133378.4); c.28889G>A, p.Arg9630Lys (NM_133432.3); c.29090G>A, p.Arg9697Lys (NM_133437.4); short protein forms R16002K, R9505K, R18570K, R9630K, R9697K, R16929K.
Identifiers: ClinVar variation 668590 (VCV000668590.3), dbSNP rs1427580402, ClinGen allele CA349538385.
Genomic context (GRCh38, chr2:178,601,288, plus strand): 5'-TTGAGAAGATATTTTAAATTTAGATTTTAAAGCTTACATATCGGATCTCTGGCAGTGGTC[C>T]TCTGAATGGTTTCCACAGGTGGGCCAATACCAAAACGGTTTTCTGCTCGCACACGGAAGA-3'
Protein context (NP_001254479.2, residues 18560-18580): GIGPPVETIQ[Arg18570Lys]TTARDPIYPP